The following is an entry in ClinVar:

ClinVar aggregate classification (germline): Pathogenic. Review status: criteria provided, multiple submitters, no conflicts (2 of 4 stars). 5 submissions from 5 submitters: Pathogenic (2). 3 of the submissions do not count toward it. Last evaluated 2026-01-05.

Conditions:
Rothmund-Thomson syndrome type 2 (RTS2). Identifiers: Orphanet 221016, MedGen C5203410, MONDO:0016369, OMIM 268400.
Baller-Gerold syndrome (BGS). Also called: CRANIOSYNOSTOSIS WITH RADIAL DEFECTS. Identifiers: Orphanet 1225, MedGen C0265308, MONDO:0009039, OMIM 218600.
RECQL4-related disorder. Also called: RECQL4-related disorders; RECQL4-related condition.

Allele frequency attached by ClinVar (database versions not stated): gnomAD 0.00001; TOPMed 0.00001; gnomAD exomes 0.00002 and 0.00004; ExAC 0.00004; 1000 Genomes Project 0.00020; 1000 Genomes Project 30x 0.00078.
gnomAD v4.1: 28 of 1,612,194 alleles (0.0017%); highest among the groups gnomAD compares: East Asian, 0.0045%; no homozygotes.

Submissions (5):

Labcorp Genetics (formerly Invitae), Labcorp
Classification: Pathogenic for Baller-Gerold syndrome. Last evaluated: 2026-01-05. Review status: criteria provided, single submitter. Criteria: Invitae Variant Classification Sherloc (09022015). Collection method: clinical testing. Allele origin: germline.
Comment: This sequence change replaces arginine, which is basic and polar, with tryptophan, which is neutral and slightly polar, at codon 1021 of the RECQL4 protein (p.Arg1021Trp). This variant is present in population databases (rs137853232, gnomAD 0.007%). This missense change has been observed in individual(s) with Baller-Gerold syndrome and Rothmund-Thomson syndrome (PMID: 15897384, 15964893, 23899764, 24635570). In at least one individual the data is consistent with being in trans (on the opposite chromosome) from a pathogenic variant. ClinVar contains an entry for this variant (Variation ID: 6073). Invitae Evidence Modeling of protein sequence and biophysical properties (such as structural, functional, and spatial information, amino acid conservation, physicochemical variation, residue mobility, and thermodynamic stability) indicates that this missense variant is not expected to disrupt RECQL4 protein function with a negative predictive value of 80%. Algorithms developed to predict the effect of sequence changes on RNA splicing suggest that this variant may disrupt the consensus splice site. For these reasons, this variant has been classified as Pathogenic.

Juno Genomics, Hangzhou Juno Genomics, Inc
Classification: Pathogenic for Rothmund-Thomson syndrome type 2. Review status: criteria provided, single submitter. Criteria: ACMG Guidelines, 2015. Collection method: clinical testing. Allele origin: germline. Affected: yes.
Comment: Absent from controls (or at extremely low frequency if recessive) in Genome Aggregation Database, Exome Sequencing Project, 1000 Genomes Project, or Exome Aggregation Consortium.;For recessive disorders, detected in trans with a pathogenic variant.;Patient's phenotype or family history is highly specific for a disease with a single genetic etiology.

PreventionGenetics, part of Exact Sciences
Classification: Pathogenic for RECQL4-related condition. Last evaluated: 2024-06-05. Review status: no assertion criteria provided. Collection method: clinical testing. Allele origin: germline. Not counted in ClinVar's aggregate classification.
Comment: The RECQL4 c.3061C>T variant is predicted to result in the amino acid substitution p.Arg1021Trp. This variant has been reported as causative for Rothmund-Thomson/RAPADILINO syndrome (Kellermayer et al. 2005. PubMed ID: 15897384; Van Maldergem et al. 2005. PubMed ID: 15964893). This variant is reported in 0.015% of alleles in individuals of East Asian descent in gnomAD. This variant is interpreted as pathogenic.

OMIM
Classification: Pathogenic for BALLER-GEROLD SYNDROME. Last evaluated: 2009-02-01. Review status: no assertion criteria provided. Collection method: literature only. Allele origin: germline. Not counted in ClinVar's aggregate classification.

GeneReviews
No classification provided. Condition: Baller-Gerold syndrome. Review status: no classification provided. Collection method: literature only. Allele origin: germline. Not counted in ClinVar's aggregate classification.

Literature cited by the submitters: PubMed 15897384 (cited by Labcorp Genetics (formerly Invitae), Labcorp); PubMed 15964893 (cited by Labcorp Genetics (formerly Invitae), Labcorp and OMIM); PubMed 23899764 (cited by Labcorp Genetics (formerly Invitae), Labcorp); PubMed 24635570 (cited by Labcorp Genetics (formerly Invitae), Labcorp); PubMed 18716613 (cited by OMIM); NCBI Bookshelf NBK1204 (cited by GeneReviews).

NM_004260.4(RECQL4):c.3061C>T (p.Arg1021Trp)

Gene: RECQL4 (RecQ like helicase 4; minus strand). Cytogenetic location: 8q24.3.
Variant type: single nucleotide variant.
Coding change: c.3061C>T on transcript NM_004260.4 (MANE Select); coding-DNA position 3061, C replaced by T.
Protein change: p.Arg1021Trp; replaces arginine 1021 with tryptophan.
Molecular consequence: missense variant.
Genome position (GRCh38, 1-based): chr8:144,512,319, G>A on the plus strand (C>T on the coding strand, the complement: RECQL4 is on the minus strand). VCF-style: chr8-144512319-G-A. GRCh37 (hg19) VCF-style: chr8-145737702-G-A.
Other names: short protein forms R1021W.
Identifiers: ClinVar variation 6073 (VCV000006073.16), dbSNP rs137853232, ClinGen allele CA253756.